The following is an entry in ClinVar:

NM_017780.4(CHD7):c.4659T>A (p.Ile1553=)

Gene: CHD7 (chromodomain helicase DNA binding protein 7; plus strand). Cytogenetic location: 8q12.2.
Variant type: single nucleotide variant.
Coding change: c.4659T>A on transcript NM_017780.4 (MANE Select); coding-DNA position 4659, T replaced by A.
Protein change: p.Ile1553=; no amino-acid change (isoleucine 1553 retained).
Molecular consequence: synonymous variant. On other transcripts: intron variant (1).
Genome position (GRCh38, 1-based): chr8:60,841,861, T>A. VCF-style: chr8-60841861-T-A. GRCh37 (hg19) VCF-style: chr8-61754420-T-A.
Other names: c.1717-20368T>A (NM_001316690.1).
Identifiers: ClinVar variation 848695 (VCV000848695.18), dbSNP rs748644473, ClinGen allele CA4760178.
Genomic context (GRCh38, chr8:60,841,861, plus strand): 5'-GCCACTCTTTGAGAAATGTCAAATGTATCTCCTCTTTTATTATTAGAACAACCTGGTTAT[T>A]GATACTCCAAGAGTGAGAAAGCAGACCAGGCTCTACAGTGCAGTGAAGGAAGATGAGCTG-3'
Protein context (NP_060250.2, residues 1543-1563): DALNGRNNLV[Ile1553=]DTPRVRKQTR

ClinVar aggregate classification (germline): Likely benign. Review status: criteria provided, multiple submitters, no conflicts (2 of 4 stars). 5 submissions from 5 submitters: Likely benign (5). Last evaluated 2025-11-21.

Conditions:
Hypogonadotropic hypogonadism 5 with or without anosmia (KAL5). Also called: HYPOGONADOTROPIC HYPOGONADISM 5 WITH ANOSMIA; HYPOGONADOTROPHIC HYPOGONADISM 5 WITHOUT ANOSMIA; CHD7-Related GnRH Deficiency (Kallmann Syndrome 5). Identifiers: Orphanet 478, MedGen C3552553, MONDO:0012880, OMIM 612370. Disease mechanism: loss of function.
CHARGE syndrome (CHARGE). Also called: CHARGE ASSOCIATION--COLOBOMA, HEART ANOMALY, CHOANAL ATRESIA, RETARDATION, GENITAL AND EAR ANOMALIES; Coloboma, heart anomaly, choanal atresia, retardation, genital and ear anomalies; CHARGE association; Hall-Hittner syndrome; Hittner Hirsch Kreh syndrome. Identifiers: Orphanet 138, MedGen C0265354, MONDO:0008965.

Allele frequency attached by ClinVar (database versions not stated): ExAC 0.00002; gnomAD exomes 0.00006 and 0.00012; gnomAD 0.00007; TOPMed 0.00007.
gnomAD v4.1: 187 of 1,607,838 alleles (0.012%); highest among the groups gnomAD compares: Non-Finnish European, 0.015%; no homozygotes.

Submissions (5):

Labcorp Genetics (formerly Invitae), Labcorp
Classification: Likely benign for CHARGE syndrome. Last evaluated: 2025-11-21. Review status: criteria provided, single submitter. Criteria: Invitae Variant Classification Sherloc (09022015). Collection method: clinical testing. Allele origin: germline.

Blueprint Genetics
Classification: Likely benign. Last evaluated: 2024-09-25. Review status: criteria provided, single submitter. Criteria: ACMG Guidelines, 2015. Collection method: clinical testing. Allele origin: germline.

Fulgent Genetics
Classification: Likely benign for CHD7-related CHARGE syndrome; Hypogonadotropic hypogonadism 5 with or without anosmia. Last evaluated: 2022-05-04. Review status: criteria provided, single submitter. Criteria: ACMG Guidelines, 2015. Collection method: clinical testing. Allele origin: unknown.

GeneDx
Classification: Likely benign. Last evaluated: 2020-09-17. Review status: criteria provided, single submitter. Criteria: GeneDx Variant Classification Process June 2021. Collection method: clinical testing. Allele origin: germline. Affected: yes.

Laboratory for Molecular Medicine, Mass General Brigham Personalized Medicine
Classification: Likely benign. Last evaluated: 2017-08-23. Review status: criteria provided, single submitter. Criteria: LMM Criteria. Collection method: clinical testing. Allele origin: germline. Observed: 1 variant allele.
Comment: p.Ile1553Ile in exon 21 of CHD7: This variant is not expected to have clinical significance because it does not alter an amino acid residue and is not located within the splice consensus sequence. It has been identified in 2/52916 European chromosomes by the Exome Aggregation Consortium (ExAC; dbSNP rs748644473).